The following is an entry in ClinVar:

NM_001371596.2(MFSD8):c.1270G>A (p.Val424Met)

Gene: MFSD8 (major facilitator superfamily domain containing 8; minus strand). Cytogenetic location: 4q28.2.
Variant type: single nucleotide variant.
Coding change: c.1270G>A on transcript NM_001371596.2 (MANE Select); coding-DNA position 1270, G replaced by A.
Protein change: p.Val424Met; replaces valine 424 with methionine.
Molecular consequence: missense variant.
Genome position (GRCh38, 1-based): chr4:127,921,604, C>T on the plus strand (G>A on the coding strand, the complement: MFSD8 is on the minus strand). VCF-style: chr4-127921604-C-T. GRCh37 (hg19) VCF-style: chr4-128842759-C-T.
Other names: c.1069G>A, p.Val357Met (NM_001363520.3); c.955G>A, p.Val319Met (NM_001363521.3); c.1135G>A, p.Val379Met (NM_001371590.2); c.1270G>A, p.Val424Met (NM_001371591.2, NM_152778.4); c.1276G>A, p.Val426Met (NM_001371592.2); c.1156G>A, p.Val386Met (NM_001371593.2); c.1123G>A, p.Val375Met (NM_001371594.2); c.988G>A, p.Val330Met (NM_001371595.1); and 2 more; short protein forms V330M, V379M, V386M, V424M, V426M, V375M, V319M, V357M.
Identifiers: ClinVar variation 960623 (VCV000960623.8), dbSNP rs910297451, ClinGen allele CA105670700.
Genomic context (GRCh38, chr4:127,921,604, plus strand): 5'-TTTTTGAATATAGAGTATAGGACATAAGATTGCAGACTGGATAGCCTAATCCTATTAGCA[C>T]AGCTGATGTAAGGAACTGGGCCAGATGAATCACCGGGGTGTAGAGGCACCAGGCTTGTTC-3'
Protein context (NP_001358525.1, residues 414-434): IHLAQFLTSA[Val424Met]LIGLGYPVCN

ClinVar aggregate classification (germline): Uncertain significance. Review status: criteria provided, multiple submitters, no conflicts (2 of 4 stars). 3 submissions from 3 submitters: Uncertain significance (2). 1 of the submissions does not count toward it. Last evaluated 2023-04-25.

Conditions:
Late-infantile neuronal ceroid lipofuscinosis. Also called: Jansky-Bielschowsky disease. Identifiers: MedGen C0022340, MONDO:0015674.
Inborn genetic diseases. Identifiers: MedGen C0950123, MeSH D030342.
Neuronal ceroid lipofuscinosis 7 (CLN7). Also called: MFSD8-Related Neuronal Ceroid-Lipofuscinosis. Identifiers: Orphanet 168491, Orphanet 228366, MedGen C1838571, MONDO:0012588, OMIM 610951.

Allele frequency attached by ClinVar (database versions not stated): gnomAD 0.00001.
gnomAD v4.1: 38 of 1,614,054 alleles (0.0024%); highest among the groups gnomAD compares: Non-Finnish European, 0.0032%; no homozygotes.

Submissions (3):

Ambry Genetics
Classification: Uncertain significance for Inborn genetic diseases. Last evaluated: 2023-04-25. Review status: criteria provided, single submitter. Criteria: Ambry Variant Classification Scheme 2023. Collection method: clinical testing. Allele origin: germline.

Labcorp Genetics (formerly Invitae), Labcorp
Classification: Uncertain significance for Neuronal ceroid lipofuscinosis 7. Last evaluated: 2021-08-31. Review status: criteria provided, single submitter. Criteria: Invitae Variant Classification Sherloc (09022015). Collection method: clinical testing. Allele origin: germline.
Comment: This sequence change replaces valine with methionine at codon 424 of the MFSD8 protein (p.Val424Met). The valine residue is moderately conserved and there is a small physicochemical difference between valine and methionine. This variant is not present in population databases (ExAC no frequency). This variant has not been reported in the literature in individuals affected with MFSD8-related conditions. Algorithms developed to predict the effect of missense changes on protein structure and function output the following: SIFT: "Deleterious"; PolyPhen-2: "Benign"; Align-GVGD: "Class C0". The methionine amino acid residue is found in multiple mammalian species, which suggests that this missense change does not adversely affect protein function. In summary, the available evidence is currently insufficient to determine the role of this variant in disease. Therefore, it has been classified as a Variant of Uncertain Significance.

Natera, Inc.
Classification: Uncertain significance for Late-infantile neuronal ceroid lipofuscinosis. Last evaluated: 2021-05-19. Review status: no assertion criteria provided. Collection method: clinical testing. Allele origin: germline. Not counted in ClinVar's aggregate classification.